The following is an entry in ClinVar:

ClinVar aggregate classification (germline): Uncertain significance (1 of 4 stars; one submission).

Conditions:
Hereditary breast ovarian cancer syndrome. Also called: Hereditary breast and ovarian cancer syndrome; Hereditary breast and ovarian cancer; Hereditary breast and ovarian cancer syndrome (HBOC); BRCA1- and BRCA2-Associated Hereditary Breast and Ovarian Cancer; Hereditary breast and/or ovarian cancer syndrome; Breast and ovarian cancer. Identifiers: Orphanet 145, MedGen C0677776, MeSH D061325, MONDO:0003582. Disease mechanism: loss of function.

Allele frequency attached by ClinVar (database versions not stated): gnomAD exomes below 0.00001.
gnomAD v4.1: 2 of 1,613,918 alleles (0.00012%); highest among the groups gnomAD compares: Middle Eastern, 0.017%; no homozygotes.

Submission:

Labcorp Genetics (formerly Invitae), Labcorp
Classification: Uncertain significance for Hereditary breast ovarian cancer syndrome. Last evaluated: 2020-07-20. Review status: criteria provided, single submitter. Criteria: Invitae Variant Classification Sherloc (09022015). Collection method: clinical testing. Allele origin: germline.
Comment: This sequence change replaces arginine with lysine at codon 136 of the BRCA1 protein (p.Arg136Lys). The arginine residue is moderately conserved and there is a small physicochemical difference between arginine and lysine. In summary, the available evidence is currently insufficient to determine the role of this variant in disease. Therefore, it has been classified as a Variant of Uncertain Significance. Advanced modeling of protein sequence and biophysical properties (such as structural, functional, and spatial information, amino acid conservation, physicochemical variation, residue mobility, and thermodynamic stability) performed at Invitae indicates that this missense variant is not expected to disrupt BRCA1 protein function. This variant has not been reported in the literature in individuals with BRCA1-related conditions. This variant is not present in population databases (ExAC no frequency).

NM_007294.4(BRCA1):c.407G>A (p.Arg136Lys)

Gene: BRCA1 (BRCA1 DNA repair associated; minus strand). Cytogenetic location: 17q21.31.
Variant type: single nucleotide variant.
Coding change: c.407G>A on transcript NM_007294.4 (MANE Select); coding-DNA position 407, G replaced by A.
Protein change: p.Arg136Lys; replaces arginine 136 with lysine.
Molecular consequence: missense variant. On other transcripts: non-coding transcript variant (1).
Genome position (GRCh38, 1-based): chr17:43,104,156, C>T on the plus strand (G>A on the coding strand, the complement: BRCA1 is on the minus strand). VCF-style: chr17-43104156-C-T. GRCh37 (hg19) VCF-style: chr17-41256173-C-T.
Other names: c.407G>A, p.Arg136Lys (NM_001408473.1, NM_001407977.1, NM_001407978.1 and 165 more transcripts); c.197G>A, p.Arg66Lys (NM_001408482.1, NM_001408479.1, NM_001408481.1 and 58 more transcripts); c.329G>A, p.Arg110Lys (NM_001408475.1, NM_001408476.1, NM_001408474.1 and 21 more transcripts); c.398G>A, p.Arg133Lys (NM_001408408.1, NM_001407646.1, NM_001407647.1); c.266G>A, p.Arg89Lys (NM_001408410.1, NM_001408452.1, NM_001408453.1 and 99 more transcripts); c.275G>A, p.Arg92Lys (NM_001408451.1); c.26G>A, p.Arg9Lys (NM_001408510.1, NM_001408512.1, NM_001407959.1 and 4 more transcripts); short protein forms R136K, R89K, R110K, R133K, R66K, R9K, R92K.
Identifiers: ClinVar variation 1051488 (VCV001051488.10), dbSNP rs1437476481, ClinGen allele CA10601331.